The following is an entry in ClinVar:

NM_000334.4(SCN4A):c.1067A>T (p.Asp356Val)

Gene: SCN4A (sodium voltage-gated channel alpha subunit 4; minus strand). Cytogenetic location: 17q23.3.
Variant type: single nucleotide variant.
Coding change: c.1067A>T on transcript NM_000334.4 (MANE Select); coding-DNA position 1067, A replaced by T.
Protein change: p.Asp356Val; replaces aspartic acid 356 with valine.
Molecular consequence: missense variant.
Genome position (GRCh38, 1-based): chr17:63,966,514, T>A on the plus strand (A>T on the coding strand, the complement: SCN4A is on the minus strand). VCF-style: chr17-63966514-T-A. GRCh37 (hg19) VCF-style: chr17-62043874-T-A.
Other names: short protein forms D356V.
Identifiers: ClinVar variation 4864143 (VCV004864143.1).

ClinVar aggregate classification (germline): Uncertain significance (1 of 4 stars; one submission).

Conditions:
Inborn genetic diseases. Identifiers: MedGen C0950123, MeSH D030342.

gnomAD v4.1: 24 of 1,613,908 alleles (0.0015%); highest among the groups gnomAD compares: Non-Finnish European, 0.0018%; no homozygotes.

Submission:

Ambry Genetics
Classification: Uncertain significance for Inborn genetic diseases. Last evaluated: 2026-03-17. Review status: criteria provided, single submitter. Criteria: Ambry Variant Classification Scheme 2023. Collection method: clinical testing. Allele origin: germline.
Comment: The c.1067A>T (p.D356V) alteration is located in exon 7 (coding exon 7) of the SCN4A gene. This alteration results from a A to T substitution at nucleotide position 1067, causing the aspartic acid (D) at amino acid position 356 to be replaced by a valine (V). Based on data from gnomAD, the T allele has an overall frequency of <0.001% (1/249174) total alleles studied. The highest observed frequency was 0.001% (1/112982) of European (non-Finnish) alleles. Based on insufficient or conflicting evidence, the clinical significance of this alteration remains unclear.